The following is an entry in ClinVar:

NM_014028.4(OSTM1):c.674G>A (p.Arg225His)

Gene: OSTM1 (osteoclastogenesis associated transmembrane protein 1; minus strand). Cytogenetic location: 6q21.
Variant type: single nucleotide variant.
Coding change: c.674G>A on transcript NM_014028.4 (MANE Select); coding-DNA position 674, G replaced by A.
Protein change: p.Arg225His; replaces arginine 225 with histidine.
Molecular consequence: missense variant.
Genome position (GRCh38, 1-based): chr6:108,051,140, C>T on the plus strand (G>A on the coding strand, the complement: OSTM1 is on the minus strand). VCF-style: chr6-108051140-C-T. GRCh37 (hg19) VCF-style: chr6-108372344-C-T.
Other names: c.674G>A (NM_014028.3); short protein forms R225H.
Identifiers: ClinVar variation 2420704 (VCV002420704.4), dbSNP rs757085385, ClinGen allele CA3947985.
Genomic context (GRCh38, chr6:108,051,140, plus strand): 5'-TCAAGTTCATTCATTTTTTGCATTTCACTGTACAGACTACTCAGAGTTTTGTATGCTTCA[C>T]GGCAGTTTTTGCATACTTCTGAATAATTTTTTGTCTGTAAAAGACTATGTGCATTCCCCT-3'
Protein context (NP_054747.2, residues 215-235): KNYSEVCKNC[Arg225His]EAYKTLSSLY

ClinVar aggregate classification (germline): Uncertain significance. Review status: criteria provided, multiple submitters, no conflicts (2 of 4 stars). 2 submissions from 2 submitters: Uncertain significance (2). Last evaluated 2024-05-14.

Conditions:
Inborn genetic diseases. Identifiers: MedGen C0950123, MeSH D030342.

Allele frequency attached by ClinVar (database versions not stated): ExAC 0.00001; TOPMed 0.00004; gnomAD 0.00005.
gnomAD v4.1: 94 of 1,613,168 alleles (0.0058%); highest among the groups gnomAD compares: Non-Finnish European, 0.0067%; 1 homozygote.

Submissions (2):

Ambry Genetics
Classification: Uncertain significance for Inborn genetic diseases. Last evaluated: 2024-05-14. Review status: criteria provided, single submitter. Criteria: Ambry Variant Classification Scheme 2023. Collection method: clinical testing. Allele origin: germline.

Labcorp Genetics (formerly Invitae), Labcorp
Classification: Uncertain significance. Last evaluated: 2021-12-29. Review status: criteria provided, single submitter. Criteria: Invitae Variant Classification Sherloc (09022015). Collection method: clinical testing. Allele origin: germline.
Comment: This sequence change replaces arginine, which is basic and polar, with histidine, which is basic and polar, at codon 225 of the OSTM1 protein (p.Arg225His). This variant is present in population databases (rs757085385, gnomAD 0.005%). This variant has not been reported in the literature in individuals affected with OSTM1-related conditions. Algorithms developed to predict the effect of missense changes on protein structure and function output the following: SIFT: "Deleterious"; PolyPhen-2: "Benign"; Align-GVGD: "Class C0". The histidine amino acid residue is found in multiple mammalian species, which suggests that this missense change does not adversely affect protein function. In summary, the available evidence is currently insufficient to determine the role of this variant in disease. Therefore, it has been classified as a Variant of Uncertain Significance.